The following is an entry in ClinVar:

ClinVar aggregate classification (germline): Uncertain significance (1 of 4 stars; one submission).

Conditions:
Inborn genetic diseases. Identifiers: MedGen C0950123, MeSH D030342.

Allele frequency attached by ClinVar (database versions not stated): gnomAD exomes below 0.00001.
gnomAD v4.1: 5 of 1,613,930 alleles (0.00031%); highest among the groups gnomAD compares: Non-Finnish European, 0.00042%; no homozygotes.

Submission:

Ambry Genetics
Classification: Uncertain significance for Inborn genetic diseases. Last evaluated: 2023-11-16. Review status: criteria provided, single submitter. Criteria: Ambry Variant Classification Scheme 2023. Collection method: clinical testing. Allele origin: germline.
Comment: The p.G154A variant (also known as c.461G>C), located in coding exon 5 of the EPAS1 gene, results from a G to C substitution at nucleotide position 461. The glycine at codon 154 is replaced by alanine, an amino acid with similar properties. This amino acid position is conserved. In addition, this alteration is predicted to be tolerated by in silico analysis. Since supporting evidence is limited at this time, the clinical significance of this alteration remains unclear.

NM_001430.5(EPAS1):c.461G>C (p.Gly154Ala)

Genes: EPAS1 (endothelial PAS domain protein 1; plus strand), LOC126806210 (BRD4-independent group 4 enhancer GRCh37_chr2:46587586-46588785; plus strand). Cytogenetic location: 2p21.
Variant type: single nucleotide variant.
Coding change: c.461G>C on transcript NM_001430.5 (MANE Select); coding-DNA position 461, G replaced by C.
Protein change: p.Gly154Ala; replaces glycine 154 with alanine.
Molecular consequence: missense variant.
Genome position (GRCh38, 1-based): chr2:46,360,644, G>C. VCF-style: chr2-46360644-G-C. GRCh37 (hg19) VCF-style: chr2-46587783-G-C.
Other names: short protein forms G154A.
Identifiers: ClinVar variation 3221654 (VCV003221654.1), dbSNP rs2546454851, ClinGen allele CA346698896.